The following is an entry in ClinVar:

ClinVar aggregate classification (germline): Uncertain significance. Review status: criteria provided, multiple submitters, no conflicts (2 of 4 stars). 2 submissions from 2 submitters: Uncertain significance (2). Last evaluated 2025-02-20.

Allele frequency attached by ClinVar (database versions not stated): ExAC 0.00001; gnomAD 0.00001; gnomAD exomes 0.00001 and 0.00004; TOPMed 0.00003.
gnomAD v4.1: 20 of 1,613,564 alleles (0.0012%); highest among the groups gnomAD compares: Admixed American, 0.028%; no homozygotes.

Submissions (2):

Labcorp Genetics (formerly Invitae), Labcorp
Classification: Uncertain significance. Last evaluated: 2025-02-20. Review status: criteria provided, single submitter. Criteria: Invitae Variant Classification Sherloc (09022015). Collection method: clinical testing. Allele origin: germline.
Comment: This sequence change replaces methionine, which is neutral and non-polar, with isoleucine, which is neutral and non-polar, at codon 830 of the CACNA2D4 protein (p.Met830Ile). This variant is present in population databases (rs576179739, gnomAD 0.03%). This variant has not been reported in the literature in individuals affected with CACNA2D4-related conditions. ClinVar contains an entry for this variant (Variation ID: 1041758). An algorithm developed to predict the effect of missense changes on protein structure and function (PolyPhen-2) suggests that this variant is likely to be tolerated. In summary, the available evidence is currently insufficient to determine the role of this variant in disease. Therefore, it has been classified as a Variant of Uncertain Significance.

Blueprint Genetics
Classification: Uncertain significance. Last evaluated: 2021-02-03. Review status: criteria provided, single submitter. Criteria: ACMG Guidelines, 2015. Collection method: clinical testing. Allele origin: germline.

NM_172364.5(CACNA2D4):c.2490G>A (p.Met830Ile)

Gene: CACNA2D4 (calcium voltage-gated channel auxiliary subunit alpha2delta 4; minus strand). Cytogenetic location: 12p13.33.
Variant type: single nucleotide variant.
Coding change: c.2490G>A on transcript NM_172364.5 (MANE Select); coding-DNA position 2490, G replaced by A.
Protein change: p.Met830Ile; replaces methionine 830 with isoleucine.
Molecular consequence: missense variant.
Genome position (GRCh38, 1-based): chr12:1,840,800, C>T on the plus strand (G>A on the coding strand, the complement: CACNA2D4 is on the minus strand). VCF-style: chr12-1840800-C-T. GRCh37 (hg19) VCF-style: chr12-1949966-C-T.
Other names: short protein forms M830I.
Identifiers: ClinVar variation 1041758 (VCV001041758.9), dbSNP rs576179739, ClinGen allele CA6386666.